The following is an entry in ClinVar:

NM_002661.5(PLCG2):c.540C>G (p.Ala180=)

Gene: PLCG2 (phospholipase C gamma 2; plus strand). Cytogenetic location: 16q23.3.
Variant type: single nucleotide variant.
Coding change: c.540C>G on transcript NM_002661.5 (MANE Select); coding-DNA position 540, C replaced by G.
Protein change: p.Ala180=; no amino-acid change (alanine 180 retained).
Molecular consequence: synonymous variant.
Genome position (GRCh38, 1-based): chr16:81,869,274, C>G. VCF-style: chr16-81869274-C-G. GRCh37 (hg19) VCF-style: chr16-81902879-C-G.
Other names: p.Ala180=.
Identifiers: ClinVar variation 540126 (VCV000540126.59), dbSNP rs150276286, ClinGen allele CA8193258.

ClinVar aggregate classification (germline): Benign/Likely benign. Review status: criteria provided, multiple submitters, no conflicts (2 of 4 stars). 9 submissions from 9 submitters: Benign (6); Likely benign (2). 1 of the submissions does not count toward it. Last evaluated 2026-09-01.

Conditions:
Familial cold autoinflammatory syndrome 3 (FCAS3). Also called: FAMILIAL ATYPICAL COLD URTICARIA; ANTIBODY DEFICIENCY AND IMMUNE DYSREGULATION, PLCG2-ASSOCIATED. Identifiers: Orphanet 300359, MedGen C3280914, MONDO:0013766, OMIM 614468.
PLCG2-related disorder. Also called: PLCG2-related condition.
Autoinflammation-PLCG2-associated antibody deficiency-immune dysregulation. Also called: Autoinflammation, antibody deficiency, and immune dysregulation, plcg2-associated; Autoinflammation, antibody deficiency, and immune dysregulation syndrome; AUTOINFLAMMATION, ANTIBODY DEFICIENCY, AND IMMUNE DYSREGULATION. Identifiers: Orphanet 324530, MedGen C3553961, MONDO:0013944, OMIM 614878.

Allele frequency attached by ClinVar (database versions not stated): 1000 Genomes Project 0.00419; 1000 Genomes Project 30x 0.00437; TOPMed 0.00639; ESP Exome Variant Server 0.00732.
gnomAD v4.1: 14,621 of 1,613,054 alleles (0.91%); highest among the groups gnomAD compares: Non-Finnish European, 1.1%; 83 homozygotes.

Submissions (9):

CeGaT Center for Human Genetics Tuebingen
Classification: Benign. Last evaluated: 2026-09-01. Review status: criteria provided, single submitter. Criteria: CeGaT Center For Human Genetics Tuebingen Variant Classification Criteria Version 2. Collection method: clinical testing. Allele origin: germline. Affected: yes. Observed: 38 variant alleles.
Comment: PLCG2: BP4, BP7, BS1, BS2

Labcorp Genetics (formerly Invitae), Labcorp
Classification: Benign for Familial cold autoinflammatory syndrome 3. Last evaluated: 2026-02-01. Review status: criteria provided, single submitter. Criteria: Invitae Variant Classification Sherloc (09022015). Collection method: clinical testing. Allele origin: germline.

Women's Health and Genetics/Laboratory Corporation of America, LabCorp
Classification: Benign. Last evaluated: 2026-01-22. Review status: criteria provided, single submitter. Criteria: LabCorp Variant Classification Summary - May 2015. Collection method: clinical testing. Allele origin: germline.

Mayo Clinic Laboratories, Mayo Clinic
Classification: Benign. Last evaluated: 2025-06-17. Review status: criteria provided, single submitter. Criteria: ACMG Guidelines, 2015. Collection method: clinical testing. Allele origin: germline. Observed: 31 variant alleles.
Comment: BS1, BS2, BP4, BP7

Blueprint Genetics
Classification: Likely benign. Last evaluated: 2024-11-26. Review status: criteria provided, single submitter. Criteria: ACMG Guidelines, 2015. Collection method: clinical testing. Allele origin: germline.

ARUP Laboratories, Molecular Genetics and Genomics, ARUP Laboratories
Classification: Benign. Last evaluated: 2023-09-04. Review status: criteria provided, single submitter. Criteria: ARUP Molecular Germline Variant Investigation Process 2024. Collection method: clinical testing. Allele origin: germline.

Fulgent Genetics
Classification: Likely benign for Familial cold autoinflammatory syndrome 3; Autoinflammation-PLCG2-associated antibody deficiency-immune dysregulation. Last evaluated: 2021-11-04. Review status: criteria provided, single submitter. Criteria: ACMG Guidelines, 2015. Collection method: clinical testing. Allele origin: unknown.

Breakthrough Genomics
Classification: Benign. Review status: criteria provided, single submitter. Criteria: ACMG Guidelines, 2015. Collection method: not provided. Allele origin: germline. Inheritance: Autosomal dominant inheritance. Affected: yes.

PreventionGenetics, part of Exact Sciences
Classification: Benign for PLCG2-related condition. Last evaluated: 2024-01-28. Review status: no assertion criteria provided. Collection method: clinical testing. Allele origin: germline. Not counted in ClinVar's aggregate classification.
Comment: This variant is classified as benign based on ACMG/AMP sequence variant interpretation guidelines (Richards et al. 2015 PMID: 25741868, with internal and published modifications).